The following is an entry in ClinVar:

ClinVar aggregate classification (germline): Uncertain significance (1 of 4 stars; one submission).

Allele frequency attached by ClinVar (database versions not stated): gnomAD 0.00001; gnomAD exomes 0.00001 and 0.00004; ExAC 0.00003; TOPMed 0.00003.

Submission:

Labcorp Genetics (formerly Invitae), Labcorp
Classification: Uncertain significance. Last evaluated: 2024-10-16. Review status: criteria provided, single submitter. Criteria: Invitae Variant Classification Sherloc (09022015). Collection method: clinical testing. Allele origin: germline.
Comment: This sequence change replaces proline, which is neutral and non-polar, with serine, which is neutral and polar, at codon 397 of the HPS6 protein (p.Pro397Ser). This variant is present in population databases (rs777537567, gnomAD 0.03%). This variant has not been reported in the literature in individuals affected with HPS6-related conditions. ClinVar contains an entry for this variant (Variation ID: 1462756). Invitae Evidence Modeling of protein sequence and biophysical properties (such as structural, functional, and spatial information, amino acid conservation, physicochemical variation, residue mobility, and thermodynamic stability) indicates that this missense variant is not expected to disrupt HPS6 protein function with a negative predictive value of 80%. In summary, the available evidence is currently insufficient to determine the role of this variant in disease. Therefore, it has been classified as a Variant of Uncertain Significance.

NM_024747.6(HPS6):c.1189C>T (p.Pro397Ser)

Gene: HPS6 (HPS6 biogenesis of lysosomal organelles complex 2 subunit 3; plus strand). Cytogenetic location: 10q24.32.
Variant type: single nucleotide variant.
Coding change: c.1189C>T on transcript NM_024747.6 (MANE Select); coding-DNA position 1189, C replaced by T.
Protein change: p.Pro397Ser; replaces proline 397 with serine.
Molecular consequence: missense variant.
Genome position (GRCh38, 1-based): chr10:102,066,663, C>T. VCF-style: chr10-102066663-C-T. GRCh37 (hg19) VCF-style: chr10-103826420-C-T.
Other names: short protein forms P397S.
Identifiers: ClinVar variation 1462756 (VCV001462756.4), dbSNP rs777537567, ClinGen allele CA5659936.